The following is an entry in ClinVar:

NM_018834.6(MATR3):c.2525G>C (p.Arg842Thr)

Gene: MATR3 (matrin 3; plus strand). Cytogenetic location: 5q31.2.
Variant type: single nucleotide variant.
Coding change: c.2525G>C on transcript NM_018834.6 (MANE Select); coding-DNA position 2525, G replaced by C.
Protein change: p.Arg842Thr; replaces arginine 842 with threonine.
Molecular consequence: missense variant.
Genome position (GRCh38, 1-based): chr5:139,329,376, G>C. VCF-style: chr5-139329376-G-C. GRCh37 (hg19) VCF-style: chr5-138665065-G-C.
Other names: c.2525G>C, p.Arg842Thr (NM_001194954.2, NM_001194955.2, NM_199189.3); c.1661G>C, p.Arg554Thr (NM_001194956.2); c.1511G>C, p.Arg504Thr (NM_001282278.2); short protein forms R554T, R842T, R504T.
Identifiers: ClinVar variation 652772 (VCV000652772.14), dbSNP rs749235364, ClinGen allele CA3433488.

ClinVar aggregate classification (germline): Uncertain significance. Review status: criteria provided, multiple submitters, no conflicts (2 of 4 stars). 4 submissions from 4 submitters: Uncertain significance (4). Last evaluated 2025-10-29.

Conditions:
Amyotrophic lateral sclerosis type 21. Also called: MYOPATHY, DISTAL, 2; VOCAL CORD AND PHARYNGEAL DYSFUNCTION WITH DISTAL MYOPATHY. Identifiers: Orphanet 600, Orphanet 803, MedGen C3807521, MONDO:0011632, OMIM 606070.
Inborn genetic diseases. Identifiers: MedGen C0950123, MeSH D030342.
MATR3-related disorder. Also called: MATR3-related condition.

Allele frequency attached by ClinVar (database versions not stated): gnomAD 0.00002; gnomAD exomes 0.00005 and 0.00009; TOPMed 0.00005; ExAC 0.00009.
gnomAD v4.1: 86 of 1,612,068 alleles (0.0053%); highest among the groups gnomAD compares: Middle Eastern, 0.25%; no homozygotes.

Submissions (4):

Labcorp Genetics (formerly Invitae), Labcorp
Classification: Uncertain significance for Amyotrophic lateral sclerosis type 21. Last evaluated: 2025-10-29. Review status: criteria provided, single submitter. Criteria: Invitae Variant Classification Sherloc (09022015). Collection method: clinical testing. Allele origin: germline.
Comment: This sequence change replaces arginine, which is basic and polar, with threonine, which is neutral and polar, at codon 842 of the MATR3 protein (p.Arg842Thr). This variant is present in population databases (rs749235364, gnomAD 0.01%). This variant has not been reported in the literature in individuals affected with MATR3-related conditions. ClinVar contains an entry for this variant (Variation ID: 652772). An algorithm developed to predict the effect of missense changes on protein structure and function (PolyPhen-2) suggests that this variant is likely to be tolerated. In summary, the available evidence is currently insufficient to determine the role of this variant in disease. Therefore, it has been classified as a Variant of Uncertain Significance.

PreventionGenetics, part of Exact Sciences
Classification: Uncertain significance for MATR3-related condition. Last evaluated: 2025-07-28. Review status: criteria provided, single submitter. Criteria: ACMG Guidelines, 2015. Collection method: clinical testing. Allele origin: germline.
Comment: The MATR3 c.2525G>C variant is predicted to result in the amino acid substitution p.Arg842Thr. To our knowledge, this variant has not been reported in the literature. This variant is reported in 0.0086% of alleles in individuals of European (non-Finnish) descent in gnomAD. At this time, the clinical significance of this variant is uncertain due to the absence of conclusive functional and genetic evidence.

Ambry Genetics
Classification: Uncertain significance for Inborn genetic diseases. Last evaluated: 2024-06-04. Review status: criteria provided, single submitter. Criteria: Ambry Variant Classification Scheme 2023. Collection method: clinical testing. Allele origin: germline.

Revvity Omics, Revvity
Classification: Uncertain significance for Amyotrophic lateral sclerosis type 21. Last evaluated: 2019-07-11. Review status: criteria provided, single submitter. Criteria: ACMG Guidelines, 2015. Collection method: clinical testing. Allele origin: germline.